The following is an entry in ClinVar:

ClinVar aggregate classification (germline): Uncertain significance. Review status: criteria provided, multiple submitters, no conflicts (2 of 4 stars). 5 submissions from 5 submitters: Uncertain significance (5). Last evaluated 2025-03-24.

Conditions:
COL12A1-related disorder. Also called: COL12A1-related condition.
Ullrich congenital muscular dystrophy 2 (UCMD2). Identifiers: Orphanet 75840, MedGen C4225314, MONDO:0014654, OMIM 616470.
Bethlem myopathy 2 (BTHLM2). Identifiers: Orphanet 536516, Orphanet 610, MedGen C4225313, MONDO:0034022, OMIM 616471.

Allele frequency attached by ClinVar (database versions not stated): gnomAD exomes 0.00001 and 0.00004; ExAC 0.00002; ESP Exome Variant Server 0.00008.
gnomAD v4.1: 23 of 1,614,130 alleles (0.0014%); highest among the groups gnomAD compares: Non-Finnish European, 0.0019%; no homozygotes.

Submissions (5):

Labcorp Genetics (formerly Invitae), Labcorp
Classification: Uncertain significance for Bethlem myopathy 2; Ullrich congenital muscular dystrophy 2. Last evaluated: 2025-03-24. Review status: criteria provided, single submitter. Criteria: Invitae Variant Classification Sherloc (09022015). Collection method: clinical testing. Allele origin: germline.
Comment: This sequence change replaces histidine, which is basic and polar, with asparagine, which is neutral and polar, at codon 595 of the COL12A1 protein (p.His595Asn). This variant is present in population databases (rs370544100, gnomAD 0.002%). This variant has not been reported in the literature in individuals affected with COL12A1-related conditions. ClinVar contains an entry for this variant (Variation ID: 542481). Invitae Evidence Modeling of protein sequence and biophysical properties (such as structural, functional, and spatial information, amino acid conservation, physicochemical variation, residue mobility, and thermodynamic stability) indicates that this missense variant is not expected to disrupt COL12A1 protein function with a negative predictive value of 80%. In summary, the available evidence is currently insufficient to determine the role of this variant in disease. Therefore, it has been classified as a Variant of Uncertain Significance.

Fulgent Genetics
Classification: Uncertain significance for Ullrich congenital muscular dystrophy 2; Bethlem myopathy 2. Last evaluated: 2024-01-17. Review status: criteria provided, single submitter. Criteria: ACMG Guidelines, 2015. Collection method: clinical testing. Allele origin: germline.

Blueprint Genetics
Classification: Uncertain significance. Last evaluated: 2023-11-22. Review status: criteria provided, single submitter. Criteria: ACMG Guidelines, 2015. Collection method: clinical testing. Allele origin: germline.

GeneDx
Classification: Uncertain significance. Last evaluated: 2023-11-13. Review status: criteria provided, single submitter. Criteria: GeneDx Variant Classification Process June 2021. Collection method: clinical testing. Allele origin: germline. Affected: yes.
Comment: Has not been previously published as pathogenic or benign to our knowledge; Not observed at significant frequency in large population cohorts (gnomAD); In silico analysis supports that this missense variant does not alter protein structure/function

PreventionGenetics, part of Exact Sciences
Classification: Uncertain significance for COL12A1-related condition. Last evaluated: 2022-12-06. Review status: criteria provided, single submitter. Criteria: ACMG Guidelines, 2015. Collection method: clinical testing. Allele origin: germline.
Comment: The COL12A1 c.1783C>A variant is predicted to result in the amino acid substitution p.His595Asn. To our knowledge, this variant has not been reported in the literature. This variant is reported in 0.0027% of alleles in individuals of European (Non-Finnish) descent in gnomAD. At this time, the clinical significance of this variant is uncertain due to the absence of conclusive functional and genetic evidence.

NM_004370.6(COL12A1):c.1783C>A (p.His595Asn)

Gene: COL12A1 (collagen type XII alpha 1 chain; minus strand). Cytogenetic location: 6q13.
Variant type: single nucleotide variant.
Coding change: c.1783C>A on transcript NM_004370.6 (MANE Select); coding-DNA position 1783, C replaced by A.
Protein change: p.His595Asn; replaces histidine 595 with asparagine.
Molecular consequence: missense variant. On other transcripts: intron variant (1).
Genome position (GRCh38, 1-based): chr6:75,183,158, G>T on the plus strand (C>A on the coding strand, the complement: COL12A1 is on the minus strand). VCF-style: chr6-75183158-G-T. GRCh37 (hg19) VCF-style: chr6-75892874-G-T.
Other names: c.73+19562C>A (NM_080645.3); short protein forms H595N.
Identifiers: ClinVar variation 542481 (VCV000542481.16), dbSNP rs370544100, ClinGen allele CA3894132.
Genomic context (GRCh38, chr6:75,183,158, plus strand): 5'-ACTGTGTGAGTTCAAAAGATATCCTCTGAAAAGCATCAAAATCTTCCACTGTGAACACAT[G>T]GGTCTCTGCAGGAGGAGAGGCAATAGCTTCCAATTCTGAGCGAACGGCATCCTTCACACC-3'
Protein context (NP_004361.3, residues 585-605): EAIASPPAET[His595Asn]VFTVEDFDAF